The following is an entry in ClinVar:

ClinVar aggregate classification (germline): Likely pathogenic (1 of 4 stars; one submission).

Conditions:
Congenital myasthenic syndrome 4A. Also called: Myasthenic syndrome, congenital, 4a, slow-channel; CONGENITAL MYASTHENIC SYNDROME TYPE Ia1; MYASTHENIC SYNDROME, CONGENITAL, 4A, SLOW-CHANNEL, AUTOSOMAL RECESSIVE. Identifiers: Orphanet 590, MedGen C4225413, MONDO:0011600, OMIM 605809.

Allele frequency attached by ClinVar (database versions not stated): gnomAD exomes below 0.00001.
gnomAD v4.1: 2 of 1,614,212 alleles (0.00012%); highest among the groups gnomAD compares: Non-Finnish European, 0.000085%; no homozygotes.

Submission:

Labcorp Genetics (formerly Invitae), Labcorp
Classification: Likely pathogenic for Congenital myasthenic syndrome 4A. Last evaluated: 2023-12-20. Review status: criteria provided, single submitter. Criteria: Invitae Variant Classification Sherloc (09022015). Collection method: clinical testing. Allele origin: germline.
Comment: This sequence change affects an acceptor splice site in intron 2 of the CHRNE gene. It is expected to disrupt RNA splicing. Variants that disrupt the donor or acceptor splice site typically lead to a loss of protein function (PMID: 16199547), and loss-of-function variants in CHRNE are known to be pathogenic (PMID: 22678886). This variant is not present in population databases (gnomAD no frequency). This variant has not been reported in the literature in individuals affected with CHRNE-related conditions. ClinVar contains an entry for this variant (Variation ID: 2011692). Algorithms developed to predict the effect of sequence changes on RNA splicing suggest that this variant may disrupt the consensus splice site. In summary, the currently available evidence indicates that the variant is pathogenic, but additional data are needed to prove that conclusively. Therefore, this variant has been classified as Likely Pathogenic.

Literature cited by the submitters: PubMed 16199547; PubMed 22678886.

NM_000080.4(CHRNE):c.190-2A>G

Genes: C17orf107 (chromosome 17 open reading frame 107; plus strand), CHRNE (cholinergic receptor nicotinic epsilon subunit; minus strand). Cytogenetic location: 17p13.2.
Variant type: single nucleotide variant.
Coding change: c.190-2A>G on transcript NM_000080.4 (MANE Select); the canonical splice acceptor site of the intron before coding-DNA position 190, A replaced by G.
Molecular consequence: splice acceptor variant. On other transcripts: 3 prime UTR variant (1).
Genome position (GRCh38, 1-based): chr17:4,902,496, T>C on the plus strand (A>G on the coding strand, the complement: CHRNE is on the minus strand). VCF-style: chr17-4902496-T-C. GRCh37 (hg19) VCF-style: chr17-4805791-T-C.
Other names: c.*1963T>C (NM_001145536.2).
Identifiers: ClinVar variation 2011692 (VCV002011692.4), dbSNP rs2507562728, ClinGen allele CA397307611.